The following is an entry in ClinVar:

ClinVar aggregate classification (germline): Uncertain significance (1 of 4 stars; one submission).

Conditions:
Neuropathy, hereditary motor and sensory, type 6B (HMSN6B). Also called: HMSN VIB; CHARCOT-MARIE-TOOTH DISEASE, TYPE 6B; NEUROPATHY, HEREDITARY MOTOR AND SENSORY, TYPE VIB, WITH OPTIC ATROPHY; Neuropathy, hereditary motor and sensory, type VIB. Identifiers: MedGen C4225302, MONDO:0014671, OMIM 616505.

Allele frequency attached by ClinVar (database versions not stated): ExAC 0.00001.

Submission:

Labcorp Genetics (formerly Invitae), Labcorp
Classification: Uncertain significance for Neuropathy, hereditary motor and sensory, type 6B. Last evaluated: 2021-08-26. Review status: criteria provided, single submitter. Criteria: Invitae Variant Classification Sherloc (09022015). Collection method: clinical testing. Allele origin: germline.
Comment: This sequence change replaces glutamic acid with glutamine at codon 379 of the SLC25A46 protein (p.Glu379Gln). The glutamic acid residue is moderately conserved and there is a small physicochemical difference between glutamic acid and glutamine. This variant is present in population databases (rs370880304, ExAC 0.002%). This variant has not been reported in the literature in individuals affected with SLC25A46-related conditions. Algorithms developed to predict the effect of missense changes on protein structure and function are either unavailable or do not agree on the potential impact of this missense change (SIFT: "Tolerated"; PolyPhen-2: "Possibly Damaging"; Align-GVGD: "Class C0"). In summary, the available evidence is currently insufficient to determine the role of this variant in disease. Therefore, it has been classified as a Variant of Uncertain Significance.

NM_138773.4(SLC25A46):c.1135G>C (p.Glu379Gln)

Gene: SLC25A46 (solute carrier family 25 member 46; plus strand). Cytogenetic location: 5q22.1.
Variant type: single nucleotide variant.
Coding change: c.1135G>C on transcript NM_138773.4 (MANE Select); coding-DNA position 1135, G replaced by C.
Protein change: p.Glu379Gln; replaces glutamic acid 379 with glutamine.
Molecular consequence: missense variant. On other transcripts: non-coding transcript variant (1).
Genome position (GRCh38, 1-based): chr5:110,761,660, G>C. VCF-style: chr5-110761660-G-C. GRCh37 (hg19) VCF-style: chr5-110097360-G-C.
Other names: c.892G>C, p.Glu298Gln (NM_001303249.3); c.862G>C, p.Glu288Gln (NM_001303250.3); short protein forms E379Q, E288Q, E298Q.
Identifiers: ClinVar variation 568249 (VCV000568249.7), dbSNP rs370880304, ClinGen allele CA3364813.